The following is an entry in ClinVar:

NM_014629.4(ARHGEF10):c.2694_2697+2delinsAA

Gene: ARHGEF10 (Rho guanine nucleotide exchange factor 10; plus strand). Cytogenetic location: 8p23.3.
Variant type: Indel.
Coding change: c.2694_2697+2delinsAA on transcript NM_014629.4 (MANE Select); coding-DNA position 2694 through the canonical splice donor site of the intron after coding-DNA position 2697, GTGGGT replaced by AA.
Molecular consequence: splice donor variant.
Genome position (GRCh38, 1-based): chr8:1,926,460-1,926,465, GTGGGT replaced by AA. VCF-style: chr8-1926460-GTGGGT-AA. GRCh37 (hg19) VCF-style: chr8-1874626-GTGGGT-AA.
Other names: c.2577_2580+2delinsAA (NM_001438093.1, NM_001438092.1); c.2694_2697+2delinsAA (NM_001308153.3); c.2697_2700+2delinsAA (NM_001438091.1); c.2580_2583+2delinsAA (NM_001308152.2, NM_001438094.1).
Identifiers: ClinVar variation 2575750 (VCV002575750.1), dbSNP rs2537934314, ClinGen allele CA2580614304.
Genomic context (GRCh38, chr8:1,926,460, plus strand): 5'-TGAACCTTACCTAAATAATGAAAGCCAGCCAGATTCATTTTCCACGGCACATGGTTTCCT[GTGGGT>AA]AAGATGTGTTTATTTGGTTTTGGTACAAGTTCACAGAGAATCAACGTTCATGGTCGGTGT-3'

ClinVar aggregate classification (germline): Uncertain significance (1 of 4 stars; one submission).

Submission:

GeneDx
Classification: Uncertain significance. Last evaluated: 2023-02-03. Review status: criteria provided, single submitter. Criteria: GeneDx Variant Classification Process June 2021. Collection method: clinical testing. Allele origin: germline. Affected: yes.
Comment: Canonical splice site variant in a gene or region of a gene for which loss of function is not a well-established mechanism of disease; Not observed at significant frequency in large population cohorts (gnomAD); Has not been previously published as pathogenic or benign to our knowledge